The following is an entry in ClinVar:

ClinVar aggregate classification (germline): Uncertain significance (1 of 4 stars; one submission).

Conditions:
Danon disease. Also called: ANTOPOL DISEASE; PSEUDOGLYCOGENOSIS II; GSD IIb; LYSOSOMAL GLYCOGEN STORAGE DISEASE WITHOUT ACID MALTASE DEFICIENCY; Glycogen Storage Disease Type IIb. Identifiers: Orphanet 34587, MedGen C0878677, MONDO:0010281, OMIM 300257.

Submission:

Labcorp Genetics (formerly Invitae), Labcorp
Classification: Uncertain significance for Danon disease. Last evaluated: 2024-05-07. Review status: criteria provided, single submitter. Criteria: Invitae Variant Classification Sherloc (09022015). Collection method: clinical testing. Allele origin: germline.
Comment: This sequence change replaces leucine, which is neutral and non-polar, with phenylalanine, which is neutral and non-polar, at codon 376 of the LAMP2 protein (p.Leu376Phe). This variant is not present in population databases (gnomAD no frequency). This variant has not been reported in the literature in individuals affected with LAMP2-related conditions. Advanced modeling of protein sequence and biophysical properties (such as structural, functional, and spatial information, amino acid conservation, physicochemical variation, residue mobility, and thermodynamic stability) has been performed at Invitae for this missense variant, however the output from this modeling did not meet the statistical confidence thresholds required to predict the impact of this variant on LAMP2 protein function. In summary, the available evidence is currently insufficient to determine the role of this variant in disease. Therefore, it has been classified as a Variant of Uncertain Significance.

NM_002294.3(LAMP2):c.1126C>T (p.Leu376Phe)

Gene: LAMP2 (lysosome associated membrane protein 2; minus strand). Cytogenetic location: Xq24.
Variant type: single nucleotide variant.
Coding change: c.1126C>T on transcript NM_002294.3 (MANE Select); coding-DNA position 1126, C replaced by T.
Protein change: p.Leu376Phe; replaces leucine 376 with phenylalanine.
Molecular consequence: missense variant. On other transcripts: intron variant (1).
Genome position (GRCh38, 1-based): chrX:120,431,430, G>A on the plus strand (C>T on the coding strand, the complement: LAMP2 is on the minus strand). VCF-style: chrX-120431430-G-A. GRCh37 (hg19) VCF-style: chrX-119565285-G-A.
Other names: c.1094-2804C>T (NM_001122606.1); short protein forms L376F.
Identifiers: ClinVar variation 3652576 (VCV003652576.2).